The following is an entry in ClinVar:

ClinVar aggregate classification (germline): Likely pathogenic (1 of 4 stars; one submission).

Allele frequency attached by ClinVar (database versions not stated): ExAC 0.00001.

Submission:

GeneDx
Classification: Likely pathogenic. Last evaluated: 2025-05-13. Review status: criteria provided, single submitter. Criteria: GeneDx Variant Classification Process June 2021. Collection method: clinical testing. Allele origin: germline. Affected: yes.
Comment: RNA studies demonstrate a damaging effect; there is a partial impact on the splicing effect (PMID: 40225937); Not observed at significant frequency in large population cohorts (gnomAD); This variant is associated with the following publications: (PMID: 33726816, 40225937)

NM_000284.4(PDHA1):c.447A>G (p.Lys149=)

Gene: PDHA1 (pyruvate dehydrogenase E1 subunit alpha 1; plus strand). Cytogenetic location: Xp22.12.
Variant type: single nucleotide variant.
Coding change: c.447A>G on transcript NM_000284.4 (MANE Select); coding-DNA position 447, A replaced by G.
Protein change: p.Lys149=; no amino-acid change (lysine 149 retained).
Molecular consequence: synonymous variant.
Genome position (GRCh38, 1-based): chrX:19,353,110, A>G. VCF-style: chrX-19353110-A-G. GRCh37 (hg19) VCF-style: chrX-19371228-A-G.
Other names: c.561A>G, p.Lys187= (NM_001173454.2); c.468A>G, p.Lys156= (NM_001173455.2); c.447A>G, p.Lys149= (NM_001173456.2).
Identifiers: ClinVar variation 2575762 (VCV002575762.2), dbSNP rs773139249, ClinGen allele CA10363041.